The following is an entry in ClinVar:

NM_000018.4(ACADVL):c.1182+17C>A

Gene: ACADVL (acyl-CoA dehydrogenase very long chain; plus strand). Cytogenetic location: 17p13.1.
Variant type: single nucleotide variant.
Coding change: c.1182+17C>A on transcript NM_000018.4 (MANE Select); 17 bases into the intron after coding-DNA position 1182, C replaced by A.
Molecular consequence: intron variant.
Genome position (GRCh38, 1-based): chr17:7,223,254, C>A. VCF-style: chr17-7223254-C-A. GRCh37 (hg19) VCF-style: chr17-7126573-C-A.
Other names: c.1251+17C>A (NM_001270447.2); c.954+17C>A (NM_001270448.2); c.1116+17C>A (NM_001033859.3).
Identifiers: ClinVar variation 380058 (VCV000380058.21), dbSNP rs191276923, ClinGen allele CA8337984.

ClinVar aggregate classification (germline): Likely benign. Review status: reviewed by expert panel (3 of 4 stars). 5 submissions from 5 submitters: Likely benign (1). 4 of the submissions do not count toward it. Last evaluated 2026-03-24.

Conditions:
Very long chain acyl-CoA dehydrogenase deficiency (ACADVLD). Also called: VLCAD Deficiency; Very Long-Chain Acyl-Coenzyme A Dehydrogenase Deficiency. Identifiers: Orphanet 26793, MedGen C3887523, MONDO:0008723, OMIM 201475.

Allele frequency attached by ClinVar (database versions not stated): gnomAD exomes 0.00005 and 0.00011; ExAC 0.00006; TOPMed 0.00007; gnomAD 0.00008 and 0.00009; ESP Exome Variant Server 0.00023; 1000 Genomes Project 0.00040; 1000 Genomes Project 30x 0.00047.
gnomAD v4.1: 168 of 1,598,342 alleles (0.011%); highest among the groups gnomAD compares: Non-Finnish European, 0.014%; no homozygotes.

Submissions (5):

ClinGen ACADVL Variant Curation Expert Panel, ClinGen
Classification: Likely benign for Very long chain acyl-CoA dehydrogenase deficiency. Last evaluated: 2026-03-24. Review status: reviewed by expert panel. Criteria: ClinGen ACADVL ACMG Specifications ACADVL V2.1. Collection method: curation. Allele origin: germline. Inheritance: Autosomal recessive inheritance.
Comment: The c.1182+17C>A (NM_000018.4) variant in ACADVL is an intronic variant which occurs in intron 11 and is not predicted by SpliceAI to impact splicing (BP4, BP7). To our knowledge, this variant has not been reported in the literature in any individuals with very long chain acyl CoA dehydrogenase (VLCAD) deficiency. The highest population minor allele frequency in gnomAD v4.1 is 0.0001364 in the European (non-Finnish) population which is lower than the ClinGen ACADVL Variant Curation Expert Panel threshold (<0.001) for PM2_Supporting, however, this is not considered conflicting evidence with BP4 and BP7. In summary, this variant meets the criteria to be classified as likely benign for autosomal recessive VLCAD deficiency based on the ACMG/AMP criteria applied, as specified by the ClinGen ACADVL Variant Curation Expert Panel: BP4, BP7, PM2_Supporting (ACADVL VCEP specifications version 2.1.0; approved September 4, 2025).

Labcorp Genetics (formerly Invitae), Labcorp
Classification: Likely benign for Very long chain acyl-CoA dehydrogenase deficiency. Last evaluated: 2026-01-19. Review status: criteria provided, single submitter. Criteria: Invitae Variant Classification Sherloc (09022015). Collection method: clinical testing. Allele origin: germline. Not counted in ClinVar's aggregate classification.

Wong Mito Lab, Molecular and Human Genetics, Baylor College of Medicine
Classification: Benign for Very long chain acyl-CoA dehydrogenase deficiency. Last evaluated: 2019-11-01. Review status: criteria provided, single submitter. Criteria: ACMG Guidelines, 2015. Collection method: clinical testing. Allele origin: germline. Not counted in ClinVar's aggregate classification.
Comment: The NM_000018.3:c.1182+17C>A (NP_000009.1:p.?) [GRCH38: NC_000017.11:g.7223254C>A] variant in ACADVL gene is interpretated to be Benign based on ACMG guidelines (PMID: 25741868). This variant has been reported. This variant meets the following evidence codes reported in the ACMG guidelines: BS1, BS2

ARUP Laboratories, Molecular Genetics and Genomics, ARUP Laboratories
Classification: Likely benign for Very long chain acyl-CoA dehydrogenase deficiency. Last evaluated: 2019-09-17. Review status: criteria provided, single submitter. Criteria: ARUP Molecular Germline Variant Investigation Process. Collection method: clinical testing. Allele origin: germline. Not counted in ClinVar's aggregate classification.

GeneDx
Classification: Likely benign. Last evaluated: 2016-02-12. Review status: criteria provided, single submitter. Criteria: GeneDx Variant Classification (06012015). Collection method: clinical testing. Allele origin: germline. Affected: yes. Not counted in ClinVar's aggregate classification.
Comment: This variant is considered likely benign or benign based on one or more of the following criteria: it is a conservative change, it occurs at a poorly conserved position in the protein, it is predicted to be benign by multiple in silico algorithms, and/or has population frequency not consistent with disease.